The following is an entry in ClinVar:

NM_000384.3(APOB):c.7522A>G (p.Met2508Val)

Gene: APOB (apolipoprotein B; minus strand). Cytogenetic location: 2p24.1.
Variant type: single nucleotide variant.
Coding change: c.7522A>G on transcript NM_000384.3 (MANE Select); coding-DNA position 7522, A replaced by G.
Protein change: p.Met2508Val; replaces methionine 2508 with valine.
Molecular consequence: missense variant.
Genome position (GRCh38, 1-based): chr2:21,009,346, T>C on the plus strand (A>G on the coding strand, the complement: APOB is on the minus strand). VCF-style: chr2-21009346-T-C. GRCh37 (hg19) VCF-style: chr2-21232218-T-C.
Other names: short protein forms M2508V.
Identifiers: ClinVar variation 2681944 (VCV002681944.1), dbSNP rs1206439836, ClinGen allele CA345996974.

ClinVar aggregate classification (germline): Uncertain significance (1 of 4 stars; one submission).

Allele frequency attached by ClinVar (database versions not stated): gnomAD 0.00001; TOPMed 0.00001.
gnomAD v4.1: 2 of 1,613,998 alleles (0.00012%); highest among the groups gnomAD compares: Non-Finnish European, 0.00017%; no homozygotes.

Submission:

Quest Diagnostics Nichols Institute San Juan Capistrano
Classification: Uncertain significance. Last evaluated: 2023-03-27. Review status: criteria provided, single submitter. Criteria: Quest Diagnostics criteria. Collection method: clinical testing. Allele origin: unknown.
Comment: This variant has not been reported in the published literature. The frequency of this variant in the general population, 0.000032 (1/31406 chromosomes), is uninformative in assessment of its pathogenicity. Analysis of this variant using bioinformatics tools for the prediction of the effect of amino acid changes on protein structure and function yielded predictions that this variant is benign. Based on the available information, we are unable to determine the clinical significance of this variant.